The following is an entry in ClinVar:

ClinVar aggregate classification (germline): Uncertain significance (1 of 4 stars; one submission).

Submission:

Women's Health and Genetics/Laboratory Corporation of America, LabCorp
Classification: Uncertain significance. Last evaluated: 2026-03-19. Review status: criteria provided, single submitter. Criteria: LabCorp Variant Classification Summary - May 2015. Collection method: clinical testing. Allele origin: germline.
Comment: Variant summary: NEU1 c.343A>G (p.Met115Val) results in a conservative amino acid change in the encoded protein sequence. Algorithms developed to predict the effect of missense changes on protein structure and function all suggest that this variant is likely to be tolerated. The variant was absent in 246400 control chromosomes. The available data on variant occurrences in the general population are insufficient to allow any conclusion about variant significance. To our knowledge, no occurrence of c.343A>G in individuals affected with NEU1-related conditions and no experimental evidence demonstrating its impact on protein function have been reported. No submitters have cited clinical-significance assessments for this variant to ClinVar. Based on the evidence outlined above, the variant was classified as uncertain significance.

NM_000434.4(NEU1):c.343A>G (p.Met115Val)

Gene: NEU1 (neuraminidase 1; minus strand). Cytogenetic location: 6p21.33.
Variant type: single nucleotide variant.
Coding change: c.343A>G on transcript NM_000434.4 (MANE Select); coding-DNA position 343, A replaced by G.
Protein change: p.Met115Val; replaces methionine 115 with valine.
Molecular consequence: missense variant.
Genome position (GRCh38, 1-based): chr6:31,862,008, T>C on the plus strand (A>G on the coding strand, the complement: NEU1 is on the minus strand). VCF-style: chr6-31862008-T-C. GRCh37 (hg19) VCF-style: chr6-31829785-T-C.
Other names: short protein forms M115V.
Identifiers: ClinVar variation 4847081 (VCV004847081.1).
Genomic context (GRCh38, chr6:31,862,008, plus strand): 5'-TGCCCACCCATCCAACCTAGCACCGGCTCTTTCACCCAGACATCTTTATACCCTGGTCCA[T>C]GGACCTCCGCAGGGCGATGAACTTGGCCCCCTCATCGGATGAGGACATTTTCCTCGCCTC-3'
Protein context (NP_000425.1, residues 105-125): GAKFIALRRS[Met115Val]DQGSTWSPTA